The following is an entry in ClinVar:

ClinVar aggregate classification (germline): Uncertain significance. Review status: criteria provided, multiple submitters, no conflicts (2 of 4 stars). 3 submissions from 3 submitters: Uncertain significance (3). Last evaluated 2025-03-02.

Conditions:
Hereditary cancer-predisposing syndrome. Also called: Neoplastic Syndromes, Hereditary; Tumor predisposition; Hereditary Cancer Syndrome; Hereditary neoplastic syndrome. Identifiers: Orphanet 140162, MedGen C0027672, MeSH D009386, MONDO:0015356.
Familial cancer of breast. Also called: BREAST CANCER, FAMILIAL; hereditary breast carcinoma; Hereditary breast cancer. Identifiers: Orphanet 227535, MedGen C0346153, MONDO:0016419, OMIM 114480. Disease mechanism: loss of function.

Allele frequency attached by ClinVar (database versions not stated): TOPMed below 0.00001; gnomAD 0.00001.
gnomAD v4.1: 2 of 1,613,978 alleles (0.00012%); highest among the groups gnomAD compares: Non-Finnish European, 0.00017%; no homozygotes.

Submissions (3):

Ambry Genetics
Classification: Uncertain significance for Hereditary cancer-predisposing syndrome. Last evaluated: 2025-03-02. Review status: criteria provided, single submitter. Criteria: Ambry Variant Classification Scheme 2023. Collection method: clinical testing. Allele origin: germline.
Comment: The p.S412L variant (also known as c.1235C>T), located in coding exon 4 of the BARD1 gene, results from a C to T substitution at nucleotide position 1235. The serine at codon 412 is replaced by leucine, an amino acid with dissimilar properties. This variant was not reported in population based cohorts in the following databases: Database of Single Nucleotide Polymorphisms (dbSNP), NHLBI Exome Sequencing Project (ESP), and 1000 Genomes Project. In the ESP, this variant was not observed in 6503 samples (13006 alleles) with coverage at this position. To date, this alteration has been detected with an allele frequency of approximately 0.002% (greater than 65000 alleles tested) in our clinical cohort. This amino acid position is well conserved in available vertebrate species. In addition, this alteration is predicted to be tolerated by in silico analysis. Since supporting evidence is limited at this time, the clinical significance of p.S412L remains unclear.

Baylor Genetics
Classification: Uncertain significance for Familial cancer of breast. Last evaluated: 2024-03-04. Review status: criteria provided, single submitter. Criteria: ACMG Guidelines, 2015. Collection method: clinical testing. Allele origin: unknown.

Labcorp Genetics (formerly Invitae), Labcorp
Classification: Uncertain significance for Familial cancer of breast. Last evaluated: 2023-09-05. Review status: criteria provided, single submitter. Criteria: Invitae Variant Classification Sherloc (09022015). Collection method: clinical testing. Allele origin: germline.
Comment: This variant is not present in population databases (gnomAD no frequency). This sequence change replaces serine, which is neutral and polar, with leucine, which is neutral and non-polar, at codon 412 of the BARD1 protein (p.Ser412Leu). This variant has not been reported in the literature in individuals affected with BARD1-related conditions. In summary, the available evidence is currently insufficient to determine the role of this variant in disease. Therefore, it has been classified as a Variant of Uncertain Significance. Algorithms developed to predict the effect of missense changes on protein structure and function output the following: SIFT: "Not Available"; PolyPhen-2: "Benign"; Align-GVGD: "Not Available". The leucine amino acid residue is found in multiple mammalian species, which suggests that this missense change does not adversely affect protein function. ClinVar contains an entry for this variant (Variation ID: 233988).

NM_000465.4(BARD1):c.1235C>T (p.Ser412Leu)

Gene: BARD1 (BRCA1 associated RING domain 1; minus strand). Cytogenetic location: 2q35.
Variant type: single nucleotide variant.
Coding change: c.1235C>T on transcript NM_000465.4 (MANE Select); coding-DNA position 1235, C replaced by T.
Protein change: p.Ser412Leu; replaces serine 412 with leucine.
Molecular consequence: missense variant. On other transcripts: non-coding transcript variant (2), intron variant (3).
Genome position (GRCh38, 1-based): chr2:214,780,639, G>A on the plus strand (C>T on the coding strand, the complement: BARD1 is on the minus strand). VCF-style: chr2-214780639-G-A. GRCh37 (hg19) VCF-style: chr2-215645363-G-A.
Other names: c.1178C>T, p.Ser393Leu (NM_001282543.2); c.159-28084C>T (NM_001282548.2); c.215+16422C>T (NM_001282545.2); c.364+11658C>T (NM_001282549.2); short protein forms S412L, S393L.
Identifiers: ClinVar variation 233988 (VCV000233988.11), dbSNP rs876660778, ClinGen allele CA10577817.
Genomic context (GRCh38, chr2:214,780,639, plus strand): 5'-AGCAAAGTCTCTCCTCTATGATTTCTTTTCACAGCCATATTGGGCAACAGCTTCATTGCT[G>A]AGGGACTAGACATCACTCGCCTGTAACTTGAACTACTTAATGTAGAAGGTGGTGTACCTG-3'
Protein context (NP_000456.2, residues 402-422): SSYRRVMSSP[Ser412Leu]AMKLLPNMAV